The following is an entry in ClinVar:

ClinVar aggregate classification (germline): Uncertain significance (1 of 4 stars; one submission).

gnomAD v4.1: 9 of 1,613,296 alleles (0.00056%); highest among the groups gnomAD compares: East Asian, 0.018%; no homozygotes.

Submission:

Ambry Genetics
Classification: Uncertain significance. Last evaluated: 2024-03-30. Review status: criteria provided, single submitter. Criteria: Ambry Variant Classification Scheme 2023. Collection method: clinical testing. Allele origin: germline.
Comment: The p.S391N variant (also known as c.1172G>A), located in coding exon 7 of the MYOM1 gene, results from a G to A substitution at nucleotide position 1172. The serine at codon 391 is replaced by asparagine, an amino acid with highly similar properties. This amino acid position is conserved. In addition, this alteration is predicted to be tolerated by in silico analysis. Based on the available evidence, the clinical significance of this alteration remains unclear.

NM_003803.4(MYOM1):c.1172G>A (p.Ser391Asn)

Gene: MYOM1 (myomesin 1; minus strand). Cytogenetic location: 18p11.31.
Variant type: single nucleotide variant.
Coding change: c.1172G>A on transcript NM_003803.4 (MANE Select); coding-DNA position 1172, G replaced by A.
Protein change: p.Ser391Asn; replaces serine 391 with asparagine.
Molecular consequence: missense variant.
Genome position (GRCh38, 1-based): chr18:3,173,940, C>T on the plus strand (G>A on the coding strand, the complement: MYOM1 is on the minus strand). VCF-style: chr18-3173940-C-T. GRCh37 (hg19) VCF-style: chr18-3173938-C-T.
Other names: c.1172G>A, p.Ser391Asn (NM_019856.2); short protein forms S391N.
Identifiers: ClinVar variation 3298012 (VCV003298012.1).